The following is an entry in ClinVar:

NM_138477.4(CDAN1):c.1763T>C (p.Met588Thr)

Gene: CDAN1 (codanin 1; minus strand). Cytogenetic location: 15q15.2.
Variant type: single nucleotide variant.
Coding change: c.1763T>C on transcript NM_138477.4 (MANE Select); coding-DNA position 1763, T replaced by C.
Protein change: p.Met588Thr; replaces methionine 588 with threonine.
Molecular consequence: missense variant.
Genome position (GRCh38, 1-based): chr15:42,731,308, A>G on the plus strand (T>C on the coding strand, the complement: CDAN1 is on the minus strand). VCF-style: chr15-42731308-A-G. GRCh37 (hg19) VCF-style: chr15-43023506-A-G.
Other names: p.Met588Thr; short protein forms M588T.
Identifiers: ClinVar variation 1805675 (VCV001805675.10), dbSNP rs199956917, ClinGen allele CA7515935.

ClinVar aggregate classification (germline): Uncertain significance. Review status: criteria provided, multiple submitters, no conflicts (2 of 4 stars). 6 submissions from 6 submitters: Uncertain significance (6). Last evaluated 2025-07-22.

Conditions:
Anemia, congenital dyserythropoietic, type 1a (CDAN1A). Also called: CDAN1-Related Congenital Dyserythropoietic Anemia; DYSERYTHROPOIETIC ANEMIA, CONGENITAL, TYPE Ia. Identifiers: MedGen C5574667, MONDO:0009135, OMIM 224120.

Allele frequency attached by ClinVar (database versions not stated): gnomAD 0.00005; TOPMed 0.00008; ExAC 0.00009.
gnomAD v4.1: 90 of 1,614,086 alleles (0.0056%); highest among the groups gnomAD compares: East Asian, 0.065%; no homozygotes.

Submissions (6):

Mayo Clinic Laboratories, Mayo Clinic
Classification: Uncertain significance. Last evaluated: 2025-07-22. Review status: criteria provided, single submitter. Criteria: ACMG Guidelines, 2015. Collection method: clinical testing. Allele origin: germline. Observed: 1 variant allele.
Comment: PM2_supporting

Blueprint Genetics
Classification: Uncertain significance. Last evaluated: 2024-10-11. Review status: criteria provided, single submitter. Criteria: ACMG Guidelines, 2015. Collection method: clinical testing. Allele origin: germline.

ARUP Laboratories, Molecular Genetics and Genomics, ARUP Laboratories
Classification: Uncertain significance for Anemia, congenital dyserythropoietic, type 1a. Last evaluated: 2023-12-08. Review status: criteria provided, single submitter. Criteria: ARUP Molecular Germline Variant Investigation Process 2024. Collection method: clinical testing. Allele origin: germline.

Labcorp Genetics (formerly Invitae), Labcorp
Classification: Uncertain significance. Last evaluated: 2022-09-27. Review status: criteria provided, single submitter. Criteria: Invitae Variant Classification Sherloc (09022015). Collection method: clinical testing. Allele origin: germline.
Comment: In summary, the available evidence is currently insufficient to determine the role of this variant in disease. Therefore, it has been classified as a Variant of Uncertain Significance. Algorithms developed to predict the effect of missense changes on protein structure and function are either unavailable or do not agree on the potential impact of this missense change (SIFT: "Tolerated"; PolyPhen-2: "Possibly Damaging"; Align-GVGD: "Class C0"). This variant has not been reported in the literature in individuals affected with CDAN1-related conditions. This variant is present in population databases (rs199956917, gnomAD 0.08%). This sequence change replaces methionine, which is neutral and non-polar, with threonine, which is neutral and polar, at codon 588 of the CDAN1 protein (p.Met588Thr).

Victorian Clinical Genetics Services, Murdoch Childrens Research Institute
Classification: Uncertain significance for Anemia, congenital dyserythropoietic, type 1a. Last evaluated: 2022-03-31. Review status: criteria provided, single submitter. Criteria: ACMG Guidelines, 2015. Collection method: clinical testing. Allele origin: germline. Inheritance: Autosomal recessive inheritance. Affected: yes.
Comment: Based on the classification scheme VCGS_Germline_v1.3.4, this variant is classified as VUS-3B. Following criteria are met: 0102 - Loss of function is a known mechanism of disease in this gene and is associated with congenita; dyserythropoietic anemia, type Ia (MIM#224120). (I) 0106 - This gene is associated with autosomal recessive disease. (I) 0115 - Variants in this gene are known to have variable expressivity. Marked clinical variability has been seen even in individuals with the same variant (PMID: 20301759, GeneReviews) (I) 0200 - Variant is predicted to result in a missense amino acid change from methionine to threonine. (I) 0251 - This variant is heterozygous. (I) 0304 - Variant is present in gnomAD v2 <0.01 for a recessive condition (33 heterozygotes, 0 homozygotes). (SP) 0309 - Multiple alternative amino acid changes at the same position have been observed in gnomAD (v2) (highest allele count: 1 heterozygote, 0 homozygotes). (I) 0502 - Missense variant with conflicting in silico predictions and uninformative conservation. (I) 0604 - Variant is not located in an established domain, motif, hotspot or informative constraint region. (I) 0705 - No comparable missense variants have previous evidence for pathogenicity. (I) 0807 - This variant has no previous evidence of pathogenicity. (I) 0905 - No published segregation evidence has been identified for this variant. (I) 1007 - No published functional evidence has been identified for this variant. (I) 1208 - Inheritance information for this variant is not currently available in this individual. (I) Legend: (SP) - Supporting pathogenic, (I) - Information, (SB) - Supporting benign

Revvity Omics, Revvity
Classification: Uncertain significance for Anemia, congenital dyserythropoietic, type 1a. Last evaluated: 2021-06-28. Review status: criteria provided, single submitter. Criteria: ACMG Guidelines, 2015. Collection method: clinical testing. Allele origin: germline.

Literature cited by the submitters: PubMed 20301759 (cited by Victorian Clinical Genetics Services, Murdoch Childrens Research Institute).